The following is an entry in ClinVar:

ClinVar aggregate classification (germline): Uncertain significance. Review status: criteria provided, multiple submitters, no conflicts (2 of 4 stars). 2 submissions from 2 submitters: Uncertain significance (2). Last evaluated 2024-01-15.

Conditions:
Cornelia de Lange syndrome 1 (CDLS1). Also called: TYPUS DEGENERATIVUS AMSTELODAMENSIS; Brachmann de Lange syndrome; NIPBL-Related Cornelia de Lange Syndrome. Identifiers: Orphanet 199, MedGen C4551851, MONDO:0007387, OMIM 122470.

Allele frequency attached by ClinVar (database versions not stated): gnomAD 0.00001.
gnomAD v4.1: 9 of 1,543,546 alleles (0.00058%); highest among the groups gnomAD compares: Middle Eastern, 0.12%; 1 homozygote.

Submissions (2):

Labcorp Genetics (formerly Invitae), Labcorp
Classification: Uncertain significance for Cornelia de Lange syndrome 1. Last evaluated: 2024-01-15. Review status: criteria provided, single submitter. Criteria: Invitae Variant Classification Sherloc (09022015). Collection method: clinical testing. Allele origin: germline.
Comment: This sequence change replaces serine, which is neutral and polar, with phenylalanine, which is neutral and non-polar, at codon 1027 of the NIPBL protein (p.Ser1027Phe). This variant is not present in population databases (gnomAD no frequency). This variant has not been reported in the literature in individuals affected with NIPBL-related conditions. Advanced modeling of protein sequence and biophysical properties (such as structural, functional, and spatial information, amino acid conservation, physicochemical variation, residue mobility, and thermodynamic stability) has been performed at Invitae for this missense variant, however the output from this modeling did not meet the statistical confidence thresholds required to predict the impact of this variant on NIPBL protein function. In summary, the available evidence is currently insufficient to determine the role of this variant in disease. Therefore, it has been classified as a Variant of Uncertain Significance.

Blueprint Genetics
Classification: Uncertain significance. Last evaluated: 2023-02-03. Review status: criteria provided, single submitter. Criteria: ACMG Guidelines, 2015. Collection method: clinical testing. Allele origin: germline.

NM_133433.4(NIPBL):c.3080C>T (p.Ser1027Phe)

Gene: NIPBL (NIPBL cohesin loading factor; plus strand). Cytogenetic location: 5p13.2.
Variant type: single nucleotide variant.
Coding change: c.3080C>T on transcript NM_133433.4 (MANE Select); coding-DNA position 3080, C replaced by T.
Protein change: p.Ser1027Phe; replaces serine 1027 with phenylalanine.
Molecular consequence: missense variant.
Genome position (GRCh38, 1-based): chr5:36,986,260, C>T. VCF-style: chr5-36986260-C-T. GRCh37 (hg19) VCF-style: chr5-36986362-C-T.
Other names: c.3080C>T, p.Ser1027Phe (NM_015384.5); short protein forms S1027F.
Identifiers: ClinVar variation 2804758 (VCV002804758.4), dbSNP rs949537429, ClinGen allele CA117045335.